The following is an entry in ClinVar:

NM_001036.6(RYR3):c.6922A>G (p.Thr2308Ala)

Gene: RYR3 (ryanodine receptor 3; plus strand). Cytogenetic location: 15q14.
Variant type: single nucleotide variant.
Coding change: c.6922A>G on transcript NM_001036.6 (MANE Select); coding-DNA position 6922, A replaced by G.
Protein change: p.Thr2308Ala; replaces threonine 2308 with alanine.
Molecular consequence: missense variant.
Genome position (GRCh38, 1-based): chr15:33,726,395, A>G. VCF-style: chr15-33726395-A-G. GRCh37 (hg19) VCF-style: chr15-34018596-A-G.
Other names: c.6922A>G, p.Thr2308Ala (NM_001243996.4); short protein forms T2308A.
Identifiers: ClinVar variation 646255 (VCV000646255.8), dbSNP rs369168320, ClinGen allele CA7459743.

ClinVar aggregate classification (germline): Uncertain significance (1 of 4 stars; one submission).

Conditions:
Epileptic encephalopathy. Identifiers: MedGen C0543888, HP:0200134.

Allele frequency attached by ClinVar (database versions not stated): gnomAD 0.00001; ExAC 0.00002; gnomAD exomes 0.00002 and 0.00007; TOPMed 0.00002; ESP Exome Variant Server 0.00016.
gnomAD v4.1: 94 of 1,613,016 alleles (0.0058%); highest among the groups gnomAD compares: Non-Finnish European, 0.0079%; no homozygotes.

Submission:

Labcorp Genetics (formerly Invitae), Labcorp
Classification: Uncertain significance for Epileptic encephalopathy. Last evaluated: 2018-08-27. Review status: criteria provided, single submitter. Criteria: Invitae Variant Classification Sherloc (09022015). Collection method: clinical testing. Allele origin: germline.
Comment: In summary, the available evidence is currently insufficient to determine the role of this variant in disease. Therefore, it has been classified as a Variant of Uncertain Significance. Algorithms developed to predict the effect of missense changes on protein structure and function (SIFT, PolyPhen-2, Align-GVGD) all suggest that this variant is likely to be tolerated, but these predictions have not been confirmed by published functional studies and their clinical significance is uncertain. This variant has not been reported in the literature in individuals with RYR3-related disease. This variant is present in population databases (rs369168320, ExAC 0.003%). This sequence change replaces threonine with alanine at codon 2308 of the RYR3 protein (p.Thr2308Ala). The threonine residue is moderately conserved and there is a small physicochemical difference between threonine and alanine.